The following is an entry in ClinVar:

ClinVar aggregate classification (germline): Uncertain significance (1 of 4 stars; one submission).

Submission:

Labcorp Genetics (formerly Invitae), Labcorp
Classification: Uncertain significance. Last evaluated: 2024-05-21. Review status: criteria provided, single submitter. Criteria: Invitae Variant Classification Sherloc (09022015). Collection method: clinical testing. Allele origin: germline.
Comment: This sequence change replaces phenylalanine, which is neutral and non-polar, with valine, which is neutral and non-polar, at codon 299 of the GPR161 protein (p.Phe299Val). This variant is not present in population databases (gnomAD no frequency). This variant has not been reported in the literature in individuals affected with GPR161-related conditions. An algorithm developed to predict the effect of missense changes on protein structure and function (PolyPhen-2) suggests that this variant is likely to be disruptive. In summary, the available evidence is currently insufficient to determine the role of this variant in disease. Therefore, it has been classified as a Variant of Uncertain Significance.

NM_001375883.1(GPR161):c.835T>G (p.Phe279Val)

Gene: GPR161 (G protein-coupled receptor 161; minus strand). Cytogenetic location: 1q24.2.
Variant type: single nucleotide variant.
Coding change: c.835T>G on transcript NM_001375883.1 (MANE Select); coding-DNA position 835, T replaced by G.
Protein change: p.Phe279Val; replaces phenylalanine 279 with valine.
Molecular consequence: missense variant.
Genome position (GRCh38, 1-based): chr1:168,096,772, A>C on the plus strand (T>G on the coding strand, the complement: GPR161 is on the minus strand). VCF-style: chr1-168096772-A-C. GRCh37 (hg19) VCF-style: chr1-168066010-A-C.
Other names: c.895T>G, p.Phe299Val (NM_001267609.1); c.835T>G, p.Phe279Val (NM_001267610.2, NM_001349632.1, NM_001349633.1 and 5 more transcripts); c.886T>G, p.Phe296Val (NM_001267611.1); c.439T>G, p.Phe147Val (NM_001267612.2, NM_001349635.1); c.601T>G, p.Phe201Val (NM_001267613.1); c.493T>G, p.Phe165Val (NM_001267614.1); short protein forms F299V, F147V, F279V, F165V, F201V, F296V.
Identifiers: ClinVar variation 3653982 (VCV003653982.2).
Genomic context (GRCh38, chr1:168,096,772, plus strand): 5'-TTTTCCCCCAGAGGGCCTCAGAGGCGATGACAACCATGTAGGGGCCCCAGGTGACCATGA[A>C]GGCACCGAGGACCACCAGGATGGTGATGAGGGCTTTGCACTGGTTGGCCGAGTAGACCAC-3'
Protein context (NP_001362812.1, residues 269-289): LITILVVLGA[Phe279Val]MVTWGPYMVV